The following is an entry in ClinVar:

ClinVar aggregate classification (germline): Likely benign (1 of 4 stars; one submission).

Submission:

GeneDx
Classification: Likely benign. Last evaluated: 2017-12-07. Review status: criteria provided, single submitter. Criteria: GeneDx Variant Classification (06012015). Collection method: clinical testing. Allele origin: germline. Affected: yes.
Comment: This variant is considered likely benign or benign based on one or more of the following criteria: it is a conservative change, it occurs at a poorly conserved position in the protein, it is predicted to be benign by multiple in silico algorithms, and/or has population frequency not consistent with disease.

NM_000059.4(BRCA2):c.-55_-52delinsCTCCGCG

Genes: BRCA2 (BRCA2 DNA repair associated; plus strand), LOC106721785 (BRCA2 promoter/silencer region; plus strand). Cytogenetic location: 13q13.1.
Variant type: Indel.
Coding change: c.-55_-52delinsCTCCGCG on transcript NM_000059.4 (MANE Select); 55 bases upstream of the start codon through 52 bases upstream of the start codon, TGCA replaced by CTCCGCG.
Molecular consequence: 5 prime UTR variant.
Genome position (GRCh38, 1-based): chr13:32,315,652-32,315,655, TGCA replaced by CTCCGCG. VCF-style: chr13-32315652-TGCA-CTCCGCG. GRCh37 (hg19) VCF-style: chr13-32889789-TGCA-CTCCGCG.
Other names: c.-55_-52delTGCAinsCTCCGCG (NM_000059.3).
Identifiers: ClinVar variation 514121 (VCV000514121.1), dbSNP rs1555279959, ClinGen allele CA658798080.
Genomic context (GRCh38, chr13:32,315,652, plus strand): 5'-TGAGGGGACAGATTTGTGACCGGCGCGGTTTTTGTCAGCTTACTCCGGCCAAAAAAGAAC[TGCA>CTCCGCG]CCTCTGGAGCGGGTTAGTGGTGGTGGTAGTGGGTTGGGACGAGCGCGTCTTCCGCAGTCC-3'